The following is an entry in ClinVar:

NM_001135022.2(ELMOD3):c.346del (p.Leu116fs)

Gene: ELMOD3 (ELMO domain containing 3; plus strand). Cytogenetic location: 2p11.2.
Variant type: Deletion.
Coding change: c.346del on transcript NM_001135022.2 (MANE Select); coding-DNA position 346, one base deleted (C; older notation c.346delC).
Protein change: p.Leu116fs; shifts the reading frame from leucine 116.
Molecular consequence: frameshift variant. On other transcripts: non-coding transcript variant (3).
Genome position (GRCh38, 1-based): chr2:85,369,816, C deleted; the last of 2 consecutive C bases (chr2:85,369,815-85,369,816); deleting either gives the same sequence. VCF-style (leftmost placement, unchanged base first): chr2-85369814-AC-A. GRCh37 (hg19) VCF-style: chr2-85596937-AC-A.
Other names: c.346del, p.Leu116fs (NM_001135021.2, NM_001135023.2, NM_001329791.2 and 3 more transcripts); short protein forms L116fs.
Identifiers: ClinVar variation 2954748 (VCV002954748.3), dbSNP rs759663862, ClinGen allele CA1740305.
Genomic context (GRCh38, chr2:85,369,814, plus strand): 5'-CAGAGCAGCCTGGGCAGCTAATCTCCTTCAGTGAGGCCCTGCAGCACTTCCAGACTGTGG[AC>A]CTTTCCCCCTTCAAGGTATGAGGGTAGCAGGGTTTGGAGTCTCAAGCAAAGTGCCTTTTC-3'

ClinVar aggregate classification (germline): Uncertain significance (1 of 4 stars; one submission).

Submission:

Labcorp Genetics (formerly Invitae), Labcorp
Classification: Uncertain significance. Last evaluated: 2023-05-23. Review status: criteria provided, single submitter. Criteria: Invitae Variant Classification Sherloc (09022015). Collection method: clinical testing. Allele origin: germline.
Comment: In summary, the available evidence is currently insufficient to determine the role of this variant in disease. Therefore, it has been classified as a Variant of Uncertain Significance. This variant has not been reported in the literature in individuals affected with ELMOD3-related conditions. This variant is present in population databases (rs759663862, gnomAD 0.03%). This sequence change creates a premature translational stop signal (p.Leu116Phefs*42) in the ELMOD3 gene. It is expected to result in an absent or disrupted protein product. However, the current clinical and genetic evidence is not sufficient to establish whether loss-of-function variants in ELMOD3 cause disease.